The following is an entry in ClinVar:

NM_001723.7(DST):c.3328T>C (p.Cys1110Arg)

Gene: DST (dystonin; minus strand). Cytogenetic location: 6p12.1.
Variant type: single nucleotide variant.
Coding change: c.3328T>C on transcript NM_001723.7 (MANE Plus Clinical); coding-DNA position 3328, T replaced by C.
Protein change: p.Cys1110Arg; replaces cysteine 1110 with arginine.
Molecular consequence: missense variant. On other transcripts: intron variant (10).
Genome position (GRCh38, 1-based): chr6:56,620,706, A>G on the plus strand (T>C on the coding strand, the complement: DST is on the minus strand). VCF-style: chr6-56620706-A-G. GRCh37 (hg19) VCF-style: chr6-56485504-A-G.
Other names: c.4830+3824T>C (NM_001144769.5); c.4929+3824T>C (NM_001374722.1, NM_001374736.1); c.4956+3824T>C (NM_001374734.1); c.4416+3824T>C (NM_001144770.2); c.4296+3824T>C (NM_001374730.1, NM_001386100.1, NM_183380.4 and 1 more transcripts); c.3318+3824T>C (NM_015548.5); short protein forms C1110R.
Identifiers: ClinVar variation 944463 (VCV000944463.6), dbSNP rs1270207144, ClinGen allele CA364572153.

ClinVar aggregate classification (germline): Uncertain significance (1 of 4 stars; one submission).

Conditions:
Hereditary sensory and autonomic neuropathy type 6. Also called: HSAN VI; Neuropathy, hereditary sensory and autonomic, type VI. Identifiers: Orphanet 314381, MedGen C3539003, MONDO:0013839, OMIM 614653.
Epidermolysis bullosa simplex 3, localized or generalized intermediate, with BP230 deficiency (EBS3). Also called: Epidermolysis bullosa simplex due to BP230 deficiency; Epidermolysis bullosa simplex, autosomal recessive 2. Identifiers: Orphanet 412181, MedGen C3809470, MONDO:0014180, OMIM 615425.

Allele frequency attached by ClinVar (database versions not stated): gnomAD exomes below 0.00001 and 0.00001; gnomAD 0.00001; TOPMed 0.00001.
gnomAD v4.1: 21 of 1,613,532 alleles (0.0013%); highest among the groups gnomAD compares: Non-Finnish European, 0.0018%; no homozygotes.

Submission:

Labcorp Genetics (formerly Invitae), Labcorp
Classification: Uncertain significance for Epidermolysis bullosa simplex 3, localized or generalized intermediate, with BP230 deficiency; Hereditary sensory and autonomic neuropathy type 6. Last evaluated: 2024-08-12. Review status: criteria provided, single submitter. Criteria: Invitae Variant Classification Sherloc (09022015). Collection method: clinical testing. Allele origin: germline.
Comment: This sequence change replaces cysteine, which is neutral and slightly polar, with arginine, which is basic and polar, at codon 1110 of the DST protein (p.Cys1110Arg). This variant is present in population databases (no rsID available, gnomAD 0.0009%). This variant has not been reported in the literature in individuals affected with DST-related conditions. ClinVar contains an entry for this variant (Variation ID: 944463). An algorithm developed to predict the effect of missense changes on protein structure and function outputs the following: PolyPhen-2: "Benign". The arginine amino acid residue is found in multiple mammalian species, which suggests that this missense change does not adversely affect protein function. In summary, the available evidence is currently insufficient to determine the role of this variant in disease. Therefore, it has been classified as a Variant of Uncertain Significance.